The following is an entry in ClinVar:

ClinVar aggregate classification (germline): Uncertain significance (1 of 4 stars; one submission).

Submission:

Laboratory for Molecular Medicine, Mass General Brigham Personalized Medicine
Classification: Uncertain significance. Last evaluated: 2015-11-27. Review status: criteria provided, single submitter. Criteria: LMM Criteria. Collection method: clinical testing. Allele origin: germline. Observed: 1 variant allele.
Comment: The p.Leu27802Val variant in TTN has not been previously reported in individuals with cardiomyopathy and was absent from large population studies. Computational prediction tools and conservation analysis do not provide strong support for or against an impact to the protein. In summary, the clinical significance of the p.Leu27802Val variant is uncertain.

NM_001267550.2(TTN):c.91108C>G (p.Leu30370Val)

Genes: TTN (titin; minus strand), TTN-AS1 (TTN antisense RNA 1; plus strand). Cytogenetic location: 2q31.2.
Variant type: single nucleotide variant.
Coding change: c.91108C>G on transcript NM_001267550.2 (MANE Select); coding-DNA position 91108, C replaced by G.
Protein change: p.Leu30370Val; replaces leucine 30370 with valine.
Molecular consequence: missense variant.
Genome position (GRCh38, 1-based): chr2:178,551,792, G>C on the plus strand (C>G on the coding strand, the complement: TTN is on the minus strand). VCF-style: chr2-178551792-G-C. GRCh37 (hg19) VCF-style: chr2-179416519-G-C.
Other names: c.86185C>G, p.Leu28729Val (NM_001256850.1); c.63913C>G, p.Leu21305Val (NM_003319.4); c.64288C>G, p.Leu21430Val (NM_133432.3); c.64489C>G, p.Leu21497Val (NM_133437.4); c.83404C>G, p.Leu27802Val (NM_133378.4); short protein forms L27802V, L30370V, L21430V, L21305V, L21497V, L28729V.
Identifiers: ClinVar variation 229542 (VCV000229542.5), dbSNP rs876658092, ClinGen allele CA10576462.